The following is an entry in ClinVar:

ClinVar aggregate classification (germline): Uncertain significance (1 of 4 stars; one submission).

Submission:

Labcorp Genetics (formerly Invitae), Labcorp
Classification: Uncertain significance. Last evaluated: 2023-12-01. Review status: criteria provided, single submitter. Criteria: Invitae Variant Classification Sherloc (09022015). Collection method: clinical testing. Allele origin: germline.
Comment: This sequence change replaces alanine, which is neutral and non-polar, with valine, which is neutral and non-polar, at codon 464 of the NONO protein (p.Ala464Val). This variant is not present in population databases (gnomAD no frequency). This variant has not been reported in the literature in individuals affected with NONO-related conditions. ClinVar contains an entry for this variant (Variation ID: 2059740). An algorithm developed to predict the effect of missense changes on protein structure and function (PolyPhen-2) suggests that this variant is likely to be tolerated. In summary, the available evidence is currently insufficient to determine the role of this variant in disease. Therefore, it has been classified as a Variant of Uncertain Significance.

NM_007363.5(NONO):c.1391C>T (p.Ala464Val)

Gene: NONO (non-POU domain containing octamer binding; plus strand). Cytogenetic location: Xq13.1.
Variant type: single nucleotide variant.
Coding change: c.1391C>T on transcript NM_007363.5 (MANE Select); coding-DNA position 1391, C replaced by T.
Protein change: p.Ala464Val; replaces alanine 464 with valine.
Molecular consequence: missense variant.
Genome position (GRCh38, 1-based): chrX:71,300,051, C>T. VCF-style: chrX-71300051-C-T. GRCh37 (hg19) VCF-style: chrX-70519901-C-T.
Other names: c.1391C>T, p.Ala464Val (NM_001145408.2, NM_001145409.2); c.1124C>T, p.Ala375Val (NM_001145410.2); short protein forms A375V, A464V.
Identifiers: ClinVar variation 2059740 (VCV002059740.4), dbSNP rs2519898598, ClinGen allele CA413550607.